The following is an entry in ClinVar:

NM_054012.4(ASS1):c.611del (p.Pro204fs)

Gene: ASS1 (argininosuccinate synthase 1; plus strand). Cytogenetic location: 9q34.11.
Variant type: Deletion.
Coding change: c.611del on transcript NM_054012.4 (MANE Select); coding-DNA position 611, one base deleted (C; older notation c.611delC).
Protein change: p.Pro204fs; shifts the reading frame from proline 204.
Molecular consequence: frameshift variant.
Genome position (GRCh38, 1-based): chr9:130,476,884, C deleted; the last of 2 consecutive C bases (chr9:130,476,883-130,476,884); deleting either gives the same sequence. VCF-style (leftmost placement, unchanged base first): chr9-130476882-TC-T. GRCh37 (hg19) VCF-style: chr9-133352269-TC-T.
Other names: c.611del, p.Pro204fs (NM_000050.4); short protein forms P204fs.
Identifiers: ClinVar variation 1400634 (VCV001400634.6), dbSNP rs2118832071, ClinGen allele CA2573143960.

ClinVar aggregate classification (germline): Pathogenic (1 of 4 stars; one submission).

Conditions:
Citrullinemia. Identifiers: Orphanet 187, MedGen C0175683, MONDO:0015991.

Submission:

Labcorp Genetics (formerly Invitae), Labcorp
Classification: Pathogenic for Citrullinemia. Last evaluated: 2021-03-09. Review status: criteria provided, single submitter. Criteria: Invitae Variant Classification Sherloc (09022015). Collection method: clinical testing. Allele origin: germline.
Comment: For these reasons, this variant has been classified as Pathogenic. This variant has not been reported in the literature in individuals with ASS1-related conditions. This variant is not present in population databases (ExAC no frequency). This sequence change creates a premature translational stop signal (p.Pro204Glnfs*30) in the ASS1 gene. It is expected to result in an absent or disrupted protein product. Loss-of-function variants in ASS1 are known to be pathogenic (PMID: 18473344, 19006241).

Literature cited by the submitters: PubMed 18473344; PubMed 19006241.